The following is an entry in ClinVar:

NM_198129.4(LAMA3):c.5613+2T>C

Gene: LAMA3 (laminin subunit alpha 3; plus strand). Cytogenetic location: 18q11.2.
Variant type: single nucleotide variant.
Coding change: c.5613+2T>C on transcript NM_198129.4 (MANE Select); the canonical splice donor site of the intron after coding-DNA position 5613, T replaced by C.
Molecular consequence: splice donor variant.
Genome position (GRCh38, 1-based): chr18:23,895,060, T>C. VCF-style: chr18-23895060-T-C. GRCh37 (hg19) VCF-style: chr18-21475024-T-C.
Other names: c.5613+2T>C (NM_001127717.4); c.786+2T>C (NM_000227.6, NM_001127718.4).
Identifiers: ClinVar variation 2746370 (VCV002746370.3), dbSNP rs757381398, ClinGen allele CA8916107.

ClinVar aggregate classification (germline): Likely pathogenic (1 of 4 stars; one submission).

Allele frequency attached by ClinVar (database versions not stated): gnomAD exomes below 0.00001; ExAC 0.00004.
gnomAD v4.1: 3 of 1,594,608 alleles (0.00019%); highest among the groups gnomAD compares: South Asian, 0.0011%; no homozygotes.

Submission:

Labcorp Genetics (formerly Invitae), Labcorp
Classification: Likely pathogenic. Last evaluated: 2023-07-25. Review status: criteria provided, single submitter. Criteria: Invitae Variant Classification Sherloc (09022015). Collection method: clinical testing. Allele origin: germline.
Comment: This sequence change affects a donor splice site in intron 7 of the LAMA3 gene. It is expected to disrupt RNA splicing. Variants that disrupt the donor or acceptor splice site typically lead to a loss of protein function (PMID: 16199547), and loss-of-function variants in LAMA3 are known to be pathogenic (PMID: 10366601, 11810295, 12915477, 16473856, 17362460, 22434185, 23869449, 27827380, 28087116). The frequency data for this variant in the population databases is considered unreliable, as metrics indicate poor data quality at this position in the gnomAD database. In summary, the currently available evidence indicates that the variant is pathogenic, but additional data are needed to prove that conclusively. Therefore, this variant has been classified as Likely Pathogenic. Algorithms developed to predict the effect of sequence changes on RNA splicing suggest that this variant may disrupt the consensus splice site. This variant has not been reported in the literature in individuals affected with LAMA3-related conditions.

Literature cited by the submitters: PubMed 16199547; PubMed 10366601; PubMed 11810295; PubMed 12915477; PubMed 16473856; PubMed 17362460; PubMed 22434185; PubMed 23869449; PubMed 27827380; PubMed 28087116.